The following is an entry in ClinVar:

ClinVar aggregate classification (germline): Pathogenic (1 of 4 stars; one submission).

Conditions:
Rubinstein-Taybi syndrome (RSTS). Identifiers: Orphanet 783, MedGen C0035934, MONDO:0019188.

Submission:

Labcorp Genetics (formerly Invitae), Labcorp
Classification: Pathogenic for Rubinstein-Taybi syndrome. Last evaluated: 2020-11-17. Review status: criteria provided, single submitter. Criteria: Invitae Variant Classification Sherloc (09022015). Collection method: clinical testing. Allele origin: germline.
Comment: For these reasons, this variant has been classified as Pathogenic. This variant has not been reported in the literature in individuals with CREBBP-related conditions. This variant is not present in population databases (ExAC no frequency). This sequence change creates a premature translational stop signal (p.Gly194Alafs*4) in the CREBBP gene. It is expected to result in an absent or disrupted protein product. Loss-of-function variants in CREBBP are known to be pathogenic (PMID: 17052327, 18792986).

Literature cited by the submitters: PubMed 17052327; PubMed 18792986.

NM_004380.3(CREBBP):c.581del (p.Gly194fs)

Gene: CREBBP (CREB binding lysine acetyltransferase; minus strand). Cytogenetic location: 16p13.3.
Variant type: Deletion.
Coding change: c.581del on transcript NM_004380.3 (MANE Select); coding-DNA position 581, one base deleted (G; older notation c.581delG).
Protein change: p.Gly194fs; shifts the reading frame from glycine 194.
Molecular consequence: frameshift variant.
Genome position (GRCh38, 1-based): chr16:3,850,514, C deleted on the plus strand (G on the coding strand, the reverse complement: CREBBP is on the minus strand); the first of 2 consecutive C bases (chr16:3,850,514-3,850,515); deleting either gives the same sequence. VCF-style (leftmost placement, unchanged base first): chr16-3850513-GC-G. GRCh37 (hg19) VCF-style: chr16-3900514-GC-G.
Other names: c.581del, p.Gly194fs (NM_001079846.1); short protein forms G194fs.
Identifiers: ClinVar variation 1362462 (VCV001362462.6), dbSNP rs2141491677, ClinGen allele CA2573151998.